The following is an entry in ClinVar:

NM_000066.4(C8B):c.908A>G (p.His303Arg)

Gene: C8B (complement C8 beta chain; minus strand). Cytogenetic location: 1p32.2.
Variant type: single nucleotide variant.
Coding change: c.908A>G on transcript NM_000066.4 (MANE Select); coding-DNA position 908, A replaced by G.
Protein change: p.His303Arg; replaces histidine 303 with arginine.
Molecular consequence: missense variant.
Genome position (GRCh38, 1-based): chr1:56,946,018, T>C on the plus strand (A>G on the coding strand, the complement: C8B is on the minus strand). VCF-style: chr1-56946018-T-C. GRCh37 (hg19) VCF-style: chr1-57411691-T-C.
Other names: c.752A>G, p.His251Arg (NM_001278543.2); c.722A>G, p.His241Arg (NM_001278544.2); short protein forms H241R, H303R, H251R.
Identifiers: ClinVar variation 1354088 (VCV001354088.5), dbSNP rs545706495, ClinGen allele CA875811.

ClinVar aggregate classification (germline): Uncertain significance (1 of 4 stars; one submission).

Allele frequency attached by ClinVar (database versions not stated): gnomAD exomes 0.00015 and 0.00023; ExAC 0.00029; 1000 Genomes Project 0.00060; 1000 Genomes Project 30x 0.00062.
gnomAD v4.1: 235 of 1,614,136 alleles (0.015%); highest among the groups gnomAD compares: South Asian, 0.25%; 3 homozygotes.

Submission:

Labcorp Genetics (formerly Invitae), Labcorp
Classification: Uncertain significance. Last evaluated: 2022-07-21. Review status: criteria provided, single submitter. Criteria: Invitae Variant Classification Sherloc (09022015). Collection method: clinical testing. Allele origin: germline.
Comment: This sequence change replaces histidine, which is basic and polar, with arginine, which is basic and polar, at codon 303 of the C8B protein (p.His303Arg). This variant is present in population databases (rs545706495, gnomAD 0.2%). This variant has not been reported in the literature in individuals affected with C8B-related conditions. ClinVar contains an entry for this variant (Variation ID: 1354088). Algorithms developed to predict the effect of missense changes on protein structure and function output the following: SIFT: "Tolerated"; PolyPhen-2: "Benign"; Align-GVGD: "Class C0". The arginine amino acid residue is found in multiple mammalian species, which suggests that this missense change does not adversely affect protein function. In summary, the available evidence is currently insufficient to determine the role of this variant in disease. Therefore, it has been classified as a Variant of Uncertain Significance.